The following is an entry in ClinVar:

ClinVar aggregate classification (germline): Uncertain significance (1 of 4 stars; one submission).

Conditions:
POLD1-related polyposis and colorectal cancer syndrome (CRCS10). Also called: Colorectal cancer 10; COLORECTAL CANCER, SUSCEPTIBILITY TO, ON CHROMOSOME 19q; Colorectal cancer, susceptibility to, 10. Identifiers: Orphanet 220460, MedGen C2675481, MONDO:0012953, OMIM 612591.

Submission:

Labcorp Genetics (formerly Invitae), Labcorp
Classification: Uncertain significance for POLD1-related polyposis and colorectal cancer syndrome. Last evaluated: 2024-04-10. Review status: criteria provided, single submitter. Criteria: Invitae Variant Classification Sherloc (09022015). Collection method: clinical testing. Allele origin: germline.
Comment: This sequence change replaces threonine, which is neutral and polar, with alanine, which is neutral and non-polar, at codon 282 of the POLD1 protein (p.Thr282Ala). This variant is not present in population databases (gnomAD no frequency). This variant has not been reported in the literature in individuals affected with POLD1-related conditions. ClinVar contains an entry for this variant (Variation ID: 1011916). Advanced modeling of protein sequence and biophysical properties (such as structural, functional, and spatial information, amino acid conservation, physicochemical variation, residue mobility, and thermodynamic stability) performed at Invitae indicates that this missense variant is not expected to disrupt POLD1 protein function with a negative predictive value of 80%. In summary, the available evidence is currently insufficient to determine the role of this variant in disease. Therefore, it has been classified as a Variant of Uncertain Significance.

NM_002691.4(POLD1):c.844A>G (p.Thr282Ala)

Gene: POLD1 (DNA polymerase delta 1, catalytic subunit; plus strand). Cytogenetic location: 19q13.33.
Variant type: single nucleotide variant.
Coding change: c.844A>G on transcript NM_002691.4 (MANE Select); coding-DNA position 844, A replaced by G.
Protein change: p.Thr282Ala; replaces threonine 282 with alanine.
Molecular consequence: missense variant. On other transcripts: non-coding transcript variant (1).
Genome position (GRCh38, 1-based): chr19:50,402,615, A>G. VCF-style: chr19-50402615-A-G. GRCh37 (hg19) VCF-style: chr19-50905872-A-G.
Other names: c.844A>G, p.Thr282Ala (NM_001256849.1, NM_001308632.1); short protein forms T282A.
Identifiers: ClinVar variation 1011916 (VCV001011916.8), dbSNP rs2038696019, ClinGen allele CA406976619.